The following is an entry in ClinVar:

NM_000338.3(SLC12A1):c.3054G>A (p.Pro1018=)

Gene: SLC12A1 (solute carrier family 12 member 1; plus strand). Cytogenetic location: 15q21.1.
Variant type: single nucleotide variant.
Coding change: c.3054G>A on transcript NM_000338.3 (MANE Select); coding-DNA position 3054, G replaced by A.
Protein change: p.Pro1018=; no amino-acid change (proline 1018 retained).
Molecular consequence: synonymous variant.
Genome position (GRCh38, 1-based): chr15:48,299,233, G>A. VCF-style: chr15-48299233-G-A. GRCh37 (hg19) VCF-style: chr15-48591430-G-A.
Other names: c.3054G>A, p.Pro1018= (NM_001184832.2).
Identifiers: ClinVar variation 753949 (VCV000753949.15), dbSNP rs201501478, ClinGen allele CA7547574.

ClinVar aggregate classification (germline): Conflicting classifications of pathogenicity. Review status: criteria provided, conflicting classifications (1 of 4 stars). 4 submissions from 4 submitters: Uncertain significance (1); Likely benign (3). Last evaluated 2026-01-20.

Conditions:
SLC12A1-related disorder. Also called: SLC12A1-related condition.
Bartter disease type 1. Also called: Bartter syndrome, type 1, antenatal; Bartter Syndrome type 1; HYPERPROSTAGLANDIN E SYNDROME 1; HYPOKALEMIC ALKALOSIS WITH HYPERCALCIURIA 1, ANTENATAL. Identifiers: Orphanet 112, Orphanet 620217, MedGen C1866495, MONDO:0100344, OMIM 601678, MONDO:0011127.

Allele frequency attached by ClinVar (database versions not stated): 1000 Genomes Project 30x 0.00016; 1000 Genomes Project 0.00020; ESP Exome Variant Server 0.00023; gnomAD 0.00033 and 0.00035; gnomAD exomes 0.00035; TOPMed 0.00039; ExAC 0.00042.

Submissions (4):

Labcorp Genetics (formerly Invitae), Labcorp
Classification: Likely benign. Last evaluated: 2026-01-20. Review status: criteria provided, single submitter. Criteria: Invitae Variant Classification Sherloc (09022015). Collection method: clinical testing. Allele origin: germline.

PreventionGenetics, part of Exact Sciences
Classification: Likely benign for SLC12A1-related condition. Last evaluated: 2024-12-14. Review status: criteria provided, single submitter. Criteria: ACMG Guidelines, 2015. Collection method: clinical testing. Allele origin: germline.
Comment: This variant is classified as likely benign based on ACMG/AMP sequence variant interpretation guidelines (Richards et al. 2015 PMID: 25741868, with internal and published modifications).

Blueprint Genetics
Classification: Likely benign. Last evaluated: 2024-11-20. Review status: criteria provided, single submitter. Criteria: ACMG Guidelines, 2015. Collection method: clinical testing. Allele origin: germline.

Illumina Laboratory Services, Illumina
Classification: Uncertain significance for Bartter disease type 1. Last evaluated: 2018-01-13. Review status: criteria provided, single submitter. Criteria: ICSL Variant Classification Criteria 13 December 2019. Collection method: clinical testing. Allele origin: germline.